The following is an entry in ClinVar:

NM_003482.4(KMT2D):c.10969C>T (p.Leu3657=)

Gene: KMT2D (lysine methyltransferase 2D; minus strand). Cytogenetic location: 12q13.12.
Variant type: single nucleotide variant.
Coding change: c.10969C>T on transcript NM_003482.4 (MANE Select); coding-DNA position 10969, C replaced by T.
Protein change: p.Leu3657=; no amino-acid change (leucine 3657 retained).
Molecular consequence: synonymous variant.
Genome position (GRCh38, 1-based): chr12:49,033,736, G>A on the plus strand (C>T on the coding strand, the complement: KMT2D is on the minus strand). VCF-style: chr12-49033736-G-A. GRCh37 (hg19) VCF-style: chr12-49427519-G-A.
Identifiers: ClinVar variation 3029013 (VCV003029013.2), dbSNP rs750556938, ClinGen allele CA479709067.

ClinVar aggregate classification (germline): Likely benign (0 of 4 stars; one submission).

Conditions:
KMT2D-related disorder. Also called: KMT2D-Related Disorders.

gnomAD v4.1: 1 of 1,613,502 alleles (0.000062%); highest among the groups gnomAD compares: Non-Finnish European, 0.000085%; no homozygotes.

Submission:

PreventionGenetics, part of Exact Sciences
Classification: Likely benign for KMT2D-related condition. Last evaluated: 2021-12-17. Review status: no assertion criteria provided. Collection method: clinical testing. Allele origin: germline.
Comment: This variant is classified as likely benign based on ACMG/AMP sequence variant interpretation guidelines (Richards et al. 2015 PMID: 25741868, with internal and published modifications).